The following is an entry in ClinVar:

ClinVar aggregate classification (germline): Uncertain significance (1 of 4 stars; one submission).

Conditions:
TMEM67-related disorder. Also called: TMEM67-related disorders; TMEM67-related condition. Identifiers: MedGen CN239423.

gnomAD v4.1: 3 of 1,612,054 alleles (0.00019%); highest among the groups gnomAD compares: Non-Finnish European, 0.00025%; no homozygotes.

Submission:

PreventionGenetics, part of Exact Sciences
Classification: Uncertain significance for TMEM67-related condition. Last evaluated: 2026-02-10. Review status: criteria provided, single submitter. Criteria: ACMG Guidelines, 2015. Collection method: clinical testing. Allele origin: germline.
Comment: The TMEM67 c.541A>G variant is predicted to result in the amino acid substitution p.Ser181Gly. To our knowledge, this variant has not been reported in the literature. This variant is reported in 0.0018% of alleles in individuals of European (Non-Finnish) descent in gnomAD. At this time, the clinical significance of this variant is uncertain due to the absence of conclusive functional and genetic evidence.

NM_153704.6(TMEM67):c.541A>G (p.Ser181Gly)

Gene: TMEM67 (transmembrane protein 67; plus strand). Cytogenetic location: 8q22.1.
Variant type: single nucleotide variant.
Coding change: c.541A>G on transcript NM_153704.6 (MANE Select); coding-DNA position 541, A replaced by G.
Protein change: p.Ser181Gly; replaces serine 181 with glycine.
Molecular consequence: missense variant. On other transcripts: non-coding transcript variant (1).
Genome position (GRCh38, 1-based): chr8:93,765,440, A>G. VCF-style: chr8-93765440-A-G. GRCh37 (hg19) VCF-style: chr8-94777668-A-G.
Other names: c.298A>G, p.Ser100Gly (NM_001142301.1); short protein forms S181G, S100G.
Identifiers: ClinVar variation 4988677 (VCV004988677.1).